The following is an entry in ClinVar:

NM_144997.7(FLCN):c.822G>A (p.Leu274=)

Gene: FLCN (folliculin; minus strand). Cytogenetic location: 17p11.2.
Variant type: single nucleotide variant.
Coding change: c.822G>A on transcript NM_144997.7 (MANE Select); coding-DNA position 822, G replaced by A.
Protein change: p.Leu274=; no amino-acid change (leucine 274 retained).
Molecular consequence: synonymous variant.
Genome position (GRCh38, 1-based): chr17:17,221,586, C>T on the plus strand (G>A on the coding strand, the complement: FLCN is on the minus strand). VCF-style: chr17-17221586-C-T. GRCh37 (hg19) VCF-style: chr17-17124900-C-T.
Other names: c.876G>A, p.Leu292= (NM_001353229.2); c.822G>A, p.Leu274= (NM_001353230.2, NM_001353231.2, NM_144606.7).
Identifiers: ClinVar variation 746980 (VCV000746980.10), dbSNP rs777731843, ClinGen allele CA8416281.
Genomic context (GRCh38, chr17:17,221,586, plus strand): 5'-CCCTGCCTCACCAGCGAGCTTCTCCATCTGGACCAAGGTATCCTCGGTCGGAGCACCTTC[C>T]AGGAGCTTCTCGGTCAGCCGGCTGCCACACGCCTTCAGGAGCCTGGAGAACACAGCACCA-3'
Protein context (NP_659434.2, residues 264-284): ACGSRLTEKL[Leu274=]EGAPTEDTLV

ClinVar aggregate classification (germline): Benign/Likely benign. Review status: criteria provided, multiple submitters, no conflicts (2 of 4 stars). 3 submissions from 3 submitters: Benign (1); Likely benign (2). Last evaluated 2025-06-22.

Conditions:
Hereditary cancer-predisposing syndrome. Also called: Tumor predisposition; Hereditary Cancer Syndrome; Neoplastic Syndromes, Hereditary; Hereditary neoplastic syndrome. Identifiers: Orphanet 140162, MedGen C0027672, MeSH D009386, MONDO:0015356.
Birt-Hogg-Dube syndrome. Also called: Birt Hogg Dubé syndrome. Identifiers: Orphanet 122, MedGen C0346010, MONDO:0800444.
Birt-Hogg-Dube syndrome 1 (BHD1). Also called: FIBROFOLLICULOMAS WITH TRICHODISCOMAS AND ACROCHORDONS. Identifiers: Orphanet 122, MedGen CN375946, MONDO:0800445, OMIM 135150.

Allele frequency attached by ClinVar (database versions not stated): TOPMed below 0.00001; ExAC 0.00001; gnomAD 0.00001; gnomAD exomes 0.00001.
gnomAD v4.1: 6 of 1,611,204 alleles (0.00037%); highest among the groups gnomAD compares: South Asian, 0.0011%; no homozygotes.

Submissions (3):

Labcorp Genetics (formerly Invitae), Labcorp
Classification: Likely benign for Birt-Hogg-Dube syndrome. Last evaluated: 2025-06-22. Review status: criteria provided, single submitter. Criteria: Invitae Variant Classification Sherloc (09022015). Collection method: clinical testing. Allele origin: germline.

Myriad Genetics, Inc.
Classification: Benign for Birt-Hogg-Dube syndrome 1. Last evaluated: 2024-10-23. Review status: criteria provided, single submitter. Criteria: Myriad Autosomal Dominant, Autosomal Recessive and X-Linked Classification Criteria (2023). Collection method: clinical testing. Allele origin: unknown.
Comment: This variant is considered benign. This variant is a silent/synonymous amino acid change and it is not expected to impact splicing.

Ambry Genetics
Classification: Likely benign for Hereditary cancer-predisposing syndrome. Last evaluated: 2022-08-23. Review status: criteria provided, single submitter. Criteria: Ambry Variant Classification Scheme 2023. Collection method: clinical testing. Allele origin: germline.